The following is an entry in ClinVar:

ClinVar aggregate classification (germline): Uncertain significance. Review status: criteria provided, multiple submitters, no conflicts (2 of 4 stars). 2 submissions from 2 submitters: Uncertain significance (2). Last evaluated 2025-12-03.

Conditions:
Wilms tumor 1 (WT1). Also called: Wilms tumor, somatic. Identifiers: Orphanet 654, MedGen CN033288, MONDO:0008679, OMIM 194070.
Simpson-Golabi-Behmel syndrome type 1 (SGBS1). Also called: GPC3-Related Simpson-Golabi-Behmel Syndrome Type 1; SIMPSON DYSMORPHIA SYNDROME; BULLDOG SYNDROME; DYSPLASIA GIGANTISM SYNDROME, X-LINKED; GOLABI-ROSEN SYNDROME. Identifiers: Orphanet 373, MedGen C0796154, MONDO:0020602, OMIM 312870.

Allele frequency attached by ClinVar (database versions not stated): gnomAD exomes below 0.00001 and 0.00001; ExAC 0.00001; ESP Exome Variant Server 0.00009.
gnomAD v4.1: 2 of 1,202,515 alleles (0.00017%); highest among the groups gnomAD compares: East Asian, 0.003%; no homozygotes.

Submissions (2):

Labcorp Genetics (formerly Invitae), Labcorp
Classification: Uncertain significance for Wilms tumor 1. Last evaluated: 2025-12-03. Review status: criteria provided, single submitter. Criteria: Invitae Variant Classification Sherloc (09022015). Collection method: clinical testing. Allele origin: germline.
Comment: This sequence change replaces glutamic acid, which is acidic and polar, with lysine, which is basic and polar, at codon 548 of the GPC3 protein (p.Glu548Lys). This variant is present in population databases (rs372317881, gnomAD 0.008%). This variant has not been reported in the literature in individuals affected with GPC3-related conditions. ClinVar contains an entry for this variant (Variation ID: 960416). An algorithm developed to predict the effect of missense changes on protein structure and function (PolyPhen-2) suggests that this variant is likely to be tolerated. In summary, the available evidence is currently insufficient to determine the role of this variant in disease. Therefore, it has been classified as a Variant of Uncertain Significance.

Fulgent Genetics
Classification: Uncertain significance for Wilms tumor 1; Simpson-Golabi-Behmel syndrome type 1. Last evaluated: 2024-05-31. Review status: criteria provided, single submitter. Criteria: ACMG Guidelines, 2015. Collection method: clinical testing. Allele origin: germline.

NM_004484.4(GPC3):c.1642G>A (p.Glu548Lys)

Gene: GPC3 (glypican 3; minus strand). Cytogenetic location: Xq26.2.
Variant type: single nucleotide variant.
Coding change: c.1642G>A on transcript NM_004484.4 (MANE Select); coding-DNA position 1642, G replaced by A.
Protein change: p.Glu548Lys; replaces glutamic acid 548 with lysine.
Molecular consequence: missense variant.
Genome position (GRCh38, 1-based): chrX:133,536,225, C>T on the plus strand (G>A on the coding strand, the complement: GPC3 is on the minus strand). VCF-style: chrX-133536225-C-T. GRCh37 (hg19) VCF-style: chrX-132670253-C-T.
Other names: c.1711G>A, p.Glu571Lys (NM_001164617.2); c.1594G>A, p.Glu532Lys (NM_001164618.2); c.1480G>A, p.Glu494Lys (NM_001164619.2); short protein forms E494K, E548K, E571K, E532K.
Identifiers: ClinVar variation 960416 (VCV000960416.11), dbSNP rs372317881, ClinGen allele CA10520633.